The following is an entry in ClinVar:

ClinVar aggregate classification (germline): Pathogenic. Review status: criteria provided, multiple submitters, no conflicts (2 of 4 stars). 3 submissions from 3 submitters: Pathogenic (2). 1 of the submissions does not count toward it. Last evaluated 2025-04-30.

Conditions:
Neurofibromatosis, type 2 (SWNV). Also called: SCHWANNOMATOSIS, VESTIBULAR; NF2-Related Schwannomatosis; BILATERAL ACOUSTIC NEUROFIBROMATOSIS. Identifiers: Orphanet 637, MedGen C0027832, MONDO:0007039, OMIM 101000. Disease mechanism: loss of function.

Submissions (3):

Labcorp Genetics (formerly Invitae), Labcorp
Classification: Pathogenic for Neurofibromatosis, type 2. Last evaluated: 2025-04-30. Review status: criteria provided, single submitter. Criteria: Invitae Variant Classification Sherloc (09022015). Collection method: clinical testing. Allele origin: germline.
Comment: This sequence change creates a premature translational stop signal (p.Gln407*) in the NF2 gene. It is expected to result in an absent or disrupted protein product. Loss-of-function variants in NF2 are known to be pathogenic (PMID: 9643284, 16983642). This variant is not present in population databases (gnomAD no frequency). This premature translational stop signal has been observed in individual(s) with neurofibromatosis type 2 (PMID: 7913580). ClinVar contains an entry for this variant (Variation ID: 3293). For these reasons, this variant has been classified as Pathogenic.

GeneDx
Classification: Pathogenic. Last evaluated: 2025-03-25. Review status: criteria provided, single submitter. Criteria: GeneDx Variant Classification Process June 2021. Collection method: clinical testing. Allele origin: germline. Affected: yes.
Comment: Nonsense variant predicted to result in protein truncation or nonsense mediated decay in a gene for which loss of function is a known mechanism of disease; Not observed at significant frequency in large population cohorts (gnomAD); This variant is associated with the following publications: (PMID: 25525159, 7913580, 33336705)

OMIM
Classification: Pathogenic for SHWANNOMATOSIS, VESTIBULAR. Last evaluated: 1994-08-01. Review status: no assertion criteria provided. Collection method: literature only. Allele origin: germline. Not counted in ClinVar's aggregate classification.

Literature cited by the submitters: PubMed 9643284 (cited by Labcorp Genetics (formerly Invitae), Labcorp); PubMed 16983642 (cited by Labcorp Genetics (formerly Invitae), Labcorp); PubMed 7913580 (cited by Labcorp Genetics (formerly Invitae), Labcorp and OMIM).

NM_000268.4(NF2):c.1219C>T (p.Gln407Ter)

Gene: NF2 (NF2, moesin-ezrin-radixin like (MERLIN) tumor suppressor; plus strand). Cytogenetic location: 22q12.2.
Variant type: single nucleotide variant.
Coding change: c.1219C>T on transcript NM_000268.4 (MANE Select); coding-DNA position 1219, C replaced by T.
Protein change: p.Gln407Ter; replaces glutamine 407 with a stop codon.
Molecular consequence: nonsense. On other transcripts: non-coding transcript variant (1), intron variant (1).
Genome position (GRCh38, 1-based): chr22:29,673,365, C>T. VCF-style: chr22-29673365-C-T. GRCh37 (hg19) VCF-style: chr22-30069354-C-T.
Other names: c.1219C>T (NM_000268.3, LRG_511t1); c.1219C>T, p.Gln407Ter (NM_016418.5, NM_181825.3, NM_181832.3); c.1093C>T, p.Gln365Ter (NM_181828.3); c.1096C>T, p.Gln366Ter (NM_181829.3); c.970C>T, p.Gln324Ter (NM_181830.3, NM_181831.3); c.448-21387C>T (NM_181833.3); short protein forms Q407*, Q365*, Q366*, Q324*.
Identifiers: ClinVar variation 3293 (VCV000003293.8), dbSNP rs74315501, ClinGen allele CA021304.